The following is an entry in ClinVar:

ClinVar aggregate classification (germline): Likely pathogenic (1 of 4 stars; one submission).

Conditions:
Roberts-SC phocomelia syndrome (RBS). Also called: Pseudothalidomide syndrome; Appelt-Gerken-Lenz syndrome; Hypomelia hypotrichosis facial hemangioma syndrome; LONG BONE DEFICIENCIES ASSOCIATED WITH CLEFT LIP-PALATE; ESCO2 Spectrum Disorder. Identifiers: Orphanet 3103, MedGen C0392475, MONDO:0100253, OMIM 268300.

Submission:

Natera, Inc.
Classification: Likely pathogenic for Roberts syndrome. Last evaluated: 2024-08-22. Review status: criteria provided, single submitter. Criteria: Natera Variant Classification Schema (03/2026). Collection method: clinical testing. Allele origin: germline.
Comment: The c.59T>G variant in ESCO2 is a nonsense variant predicted to introduce a stop codon at amino acid 20. This variant is expected to result in nonsense mediated decay, truncation, or a dysfunctional protein product. This variant is rare in the general population with a frequency below the threshold expected for the associated phenotype(s). Given the available evidence, this variant is classified as Likely Pathogenic.

NM_001017420.3(ESCO2):c.59T>G (p.Leu20Ter)

Gene: ESCO2 (establishment of sister chromatid cohesion N-acetyltransferase 2; plus strand). Cytogenetic location: 8p21.1.
Variant type: single nucleotide variant.
Coding change: c.59T>G on transcript NM_001017420.3 (MANE Select); coding-DNA position 59, T replaced by G.
Protein change: p.Leu20Ter; replaces leucine 20 with a stop codon.
Molecular consequence: nonsense.
Genome position (GRCh38, 1-based): chr8:27,776,367, T>G. VCF-style: chr8-27776367-T-G. GRCh37 (hg19) VCF-style: chr8-27633884-T-G.
Other names: short protein forms L20*.
Identifiers: ClinVar variation 4814530 (VCV004814530.1).